The following is an entry in ClinVar:

NM_006019.4(TCIRG1):c.1463+5G>A

Gene: TCIRG1 (T cell immune regulator 1, ATPase H+ transporting V0 subunit a3; plus strand). Cytogenetic location: 11q13.2.
Variant type: single nucleotide variant.
Coding change: c.1463+5G>A on transcript NM_006019.4 (MANE Select); 5 bases into the intron after coding-DNA position 1463, G replaced by A.
Molecular consequence: intron variant.
Genome position (GRCh38, 1-based): chr11:68,047,809, G>A. VCF-style: chr11-68047809-G-A. GRCh37 (hg19) VCF-style: chr11-67815276-G-A.
Other names: c.569+5G>A (NM_001351059.2); c.815+5G>A (NM_006053.4).
Identifiers: ClinVar variation 1675464 (VCV001675464.27), dbSNP rs1291473069, ClinGen allele CA679554440.

ClinVar aggregate classification (germline): Uncertain significance (1 of 4 stars; one submission).

Allele frequency attached by ClinVar (database versions not stated): TOPMed below 0.00001.

Submission:

CeGaT Center for Human Genetics Tuebingen
Classification: Uncertain significance. Last evaluated: 2023-01-01. Review status: criteria provided, single submitter. Criteria: CeGaT Center For Human Genetics Tuebingen Variant Classification Criteria Version 2. Collection method: clinical testing. Allele origin: germline. Affected: yes. Observed: 1 variant allele.
Comment: TCIRG1: PM2, PM3, BP4